The following is an entry in ClinVar:

NM_130839.5(UBE3A):c.2477A>G (p.Lys826Arg)

Genes: SNHG14 (small nucleolar RNA host gene 14; plus strand), UBE3A (ubiquitin protein ligase E3A; minus strand). Cytogenetic location: 15q11.2.
Variant type: single nucleotide variant.
Coding change: c.2477A>G on transcript NM_130839.5 (MANE Select); coding-DNA position 2477, A replaced by G.
Protein change: p.Lys826Arg; replaces lysine 826 with arginine.
Molecular consequence: missense variant. On other transcripts: non-coding transcript variant (1).
Genome position (GRCh38, 1-based): chr15:25,340,106, T>C on the plus strand (A>G on the coding strand, the complement: UBE3A is on the minus strand). VCF-style: chr15-25340106-T-C. GRCh37 (hg19) VCF-style: chr15-25585253-T-C.
Other names: c.2486A>G, p.Lys829Arg (NM_000462.5); c.2477A>G, p.Lys826Arg (NM_001354505.1, NM_001354538.2); c.2417A>G, p.Lys806Arg (NM_001354506.2, NM_001354507.2, NM_001354508.2 and 14 more transcripts); c.2321A>G, p.Lys774Arg (NM_001354545.2); c.2300A>G, p.Lys767Arg (NM_001354546.2); c.2261A>G, p.Lys754Arg (NM_001354547.2, NM_001354548.2); c.2252A>G, p.Lys751Arg (NM_001354549.2); c.1226A>G, p.Lys409Arg (NM_001354550.2); and 1 more; short protein forms K751R, K806R, K829R, K409R, K767R, K774R, K389R, K754R.
Identifiers: ClinVar variation 4742796 (VCV004742796.1).
Genomic context (GRCh38, chr15:25,340,106, plus strand): 5'-TTTCGGTAGGTATACAGTCACAAGTTAATAATTACCTACCTTTCTGTGTCTGGGCCATTT[T>C]TGGCTATAATCATCTTTAATTTTCCTAGTCCTCCCACAGGTGCTCTGTCTGTGCCCGTTG-3'
Protein context (NP_570854.1, residues 816-836): GLGKLKMIIA[Lys826Arg]NGPDTERLPT

ClinVar aggregate classification (germline): Uncertain significance (1 of 4 stars; one submission).

Conditions:
Angelman syndrome (AS). Also called: HAPPY PUPPET SYNDROME. Identifiers: Orphanet 72, MedGen C0162635, MONDO:0007113, OMIM 105830. Disease mechanism: loss of function. Inheritance: imprinting disorder, AS is caused by disruption of maternally imprinted UBE3A located within the 15q11.2-q13 Angelman syndrome/Prader-Willi syndrome (AS/PWS) region..

Submission:

Labcorp Genetics (formerly Invitae), Labcorp
Classification: Uncertain significance for Angelman syndrome. Last evaluated: 2025-09-23. Review status: criteria provided, single submitter. Criteria: Invitae Variant Classification Sherloc (09022015). Collection method: clinical testing. Allele origin: germline.
Comment: This sequence change replaces lysine, which is basic and polar, with arginine, which is basic and polar, at codon 806 of the UBE3A protein (p.Lys806Arg). This variant is not present in population databases (gnomAD no frequency). This variant has not been reported in the literature in individuals affected with UBE3A-related conditions. Invitae Evidence Modeling of protein sequence and biophysical properties (such as structural, functional, and spatial information, amino acid conservation, physicochemical variation, residue mobility, and thermodynamic stability) indicates that this missense variant is not expected to disrupt UBE3A protein function with a negative predictive value of 80%. In summary, the available evidence is currently insufficient to determine the role of this variant in disease. Therefore, it has been classified as a Variant of Uncertain Significance.